The following is an entry in ClinVar:

NM_000742.4(CHRNA2):c.65C>T (p.Thr22Ile)

Gene: CHRNA2 (cholinergic receptor nicotinic alpha 2 subunit; minus strand). Cytogenetic location: 8p21.2.
Variant type: single nucleotide variant.
Coding change: c.65C>T on transcript NM_000742.4 (MANE Select); coding-DNA position 65, C replaced by T.
Protein change: p.Thr22Ile; replaces threonine 22 with isoleucine.
Molecular consequence: missense variant. On other transcripts: 5 prime UTR variant (4).
Genome position (GRCh38, 1-based): chr8:27,470,994, G>A on the plus strand (C>T on the coding strand, the complement: CHRNA2 is on the minus strand). VCF-style: chr8-27470994-G-A. GRCh37 (hg19) VCF-style: chr8-27328511-G-A.
Other names: p.T22I:ACC>ATC; c.65C>T, p.Thr22Ile (NM_001282455.2); c.-363C>T (NM_001347705.2); c.-408C>T (NM_001347706.2); c.-349C>T (NM_001347707.2); c.-397C>T (NM_001347708.2); short protein forms T22I.
Identifiers: ClinVar variation 128740 (VCV000128740.26), dbSNP rs2472553, ClinGen allele CA288710.

ClinVar aggregate classification (germline): Benign. Review status: criteria provided, multiple submitters, no conflicts (2 of 4 stars). 9 submissions from 9 submitters: Benign (8). 1 of the submissions does not count toward it. Last evaluated 2026-02-03.

Conditions:
Familial sleep-related hypermotor epilepsy. Also called: Autosomal Dominant Sleep-Related Hypermotor (Hyperkinetic) Epilepsy. Identifiers: Orphanet 98784, MedGen C3696898, MONDO:0000030.
Inborn genetic diseases. Identifiers: MedGen C0950123, MeSH D030342.
Autosomal dominant nocturnal frontal lobe epilepsy 4. Also called: CHRNA2-Related Nocturnal Frontal Lobe Epilepsy, Autosomal Dominant; EPILEPSY, FAMILIAL, WITH NOCTURNAL WANDERING AND ICTAL FEAR. Identifiers: Orphanet 98784, MedGen C1835905, MONDO:0012474, OMIM 610353.

Allele frequency attached by ClinVar (database versions not stated): gnomAD exomes 0.14475 and 0.16614; ESP Exome Variant Server 0.14878; TOPMed 0.16837; 1000 Genomes Project 30x 0.21986; 1000 Genomes Project 0.22105; ExAC 0.16468.
gnomAD v4.1: 235,542 of 1,613,474 alleles (15%); highest among the groups gnomAD compares: East Asian, 44%; 19,915 homozygotes.

Submissions (9):

Labcorp Genetics (formerly Invitae), Labcorp
Classification: Benign. Last evaluated: 2026-02-03. Review status: criteria provided, single submitter. Criteria: Invitae Variant Classification Sherloc (09022015). Collection method: clinical testing. Allele origin: germline.

Unidad de Genómica Garrahan, Hospital de Pediatría Garrahan
Classification: Benign. Last evaluated: 2024-07-15. Review status: criteria provided, single submitter. Criteria: ACMG Guidelines, 2015. Collection method: clinical testing. Allele origin: germline. Affected: no. Observed: 27 variant alleles.
Comment: This variant is classified as Benign based on local population frequency. This variant was detected in 29% of patients studied in a panel designed for Epileptic and Developmental Encephalopathy and Progressive Myoclonus Epilepsy. Number of patients: 27. Only high quality variants are reported.

Mayo Clinic Laboratories, Mayo Clinic
Classification: Benign. Last evaluated: 2018-07-02. Review status: criteria provided, single submitter. Criteria: ACMG Guidelines, 2015. Collection method: clinical testing. Allele origin: germline. Observed: 131 variant alleles.

Illumina Laboratory Services, Illumina
Classification: Benign for Autosomal dominant nocturnal frontal lobe epilepsy 4. Last evaluated: 2018-01-13. Review status: criteria provided, single submitter. Criteria: ICSL Variant Classification Criteria 13 December 2019. Collection method: clinical testing. Allele origin: germline.
Comment: This variant was observed in the ICSL laboratory as part of a predisposition screen in an ostensibly healthy population. It had not been previously curated by ICSL or reported in the Human Gene Mutation Database (HGMD: prior to June 1st, 2018), and was therefore a candidate for classification through an automated scoring system. Utilizing variant allele frequency, disease prevalence and penetrance estimates, and inheritance mode, an automated score was calculated to assess if this variant is too frequent to cause the disease. Based on the score and internal cut-off values, a variant classified as benign is not then subjected to further curation. The score for this variant resulted in a classification of benign for this disease.

Eurofins Ntd Llc (ga)
Classification: Benign. Last evaluated: 2016-07-07. Review status: criteria provided, single submitter. Criteria: EGL Classification Definitions 2015. Collection method: clinical testing. Allele origin: germline. Observed: 1 variant allele, 1 homozygote.

Ambry Genetics
Classification: Benign for Inborn genetic diseases. Last evaluated: 2016-01-08. Review status: criteria provided, single submitter. Criteria: Ambry Variant Classification Scheme 2023. Collection method: clinical testing. Allele origin: germline.

GeneDx
Classification: Benign. Last evaluated: 2013-06-25. Review status: criteria provided, single submitter. Criteria: GeneDx Variant Classification (06012015). Collection method: clinical testing. Allele origin: germline. Affected: yes.
Comment: This variant is considered likely benign or benign based on one or more of the following criteria: it is a conservative change, it occurs at a poorly conserved position in the protein, it is predicted to be benign by multiple in silico algorithms, and/or has population frequency not consistent with disease.

Breakthrough Genomics
Classification: Benign. Review status: criteria provided, single submitter. Criteria: ACMG Guidelines, 2015. Collection method: not provided. Allele origin: germline. Inheritance: Autosomal dominant inheritance. Affected: yes.

Genetic Services Laboratory, University of Chicago
Classification: Likely benign for AllHighlyPenetrant. Review status: no assertion criteria provided. Collection method: clinical testing. Allele origin: germline. Inheritance: Autosomal dominant inheritance. Not counted in ClinVar's aggregate classification.
Comment: Likely benign based on allele frequency in 1000 Genomes Project or ESP global frequency and its presence in a patient with a rare or unrelated disease phenotype. NOT Sanger confirmed.